The following is an entry in ClinVar:

ClinVar aggregate classification (germline): Uncertain significance. Review status: criteria provided, multiple submitters, no conflicts (2 of 4 stars). 3 submissions from 3 submitters: Uncertain significance (3). Last evaluated 2022-12-13.

Conditions:
Inborn genetic diseases. Identifiers: MedGen C0950123, MeSH D030342.
Spinocerebellar ataxia type 5 (SCA5). Identifiers: Orphanet 98766, MedGen C0752123, MONDO:0010848, OMIM 600224.

Submissions (3):

Labcorp Genetics (formerly Invitae), Labcorp
Classification: Uncertain significance. Last evaluated: 2022-12-13. Review status: criteria provided, single submitter. Criteria: Invitae Variant Classification Sherloc (09022015). Collection method: clinical testing. Allele origin: germline.
Comment: In summary, the available evidence is currently insufficient to determine the role of this variant in disease. Therefore, it has been classified as a Variant of Uncertain Significance. ClinVar contains an entry for this variant (Variation ID: 1333957). This variant has not been reported in the literature in individuals affected with SPTBN2-related conditions. This variant is not present in population databases (gnomAD no frequency). This variant, c.5468_5470dup, results in the insertion of 1 amino acid(s) of the SPTBN2 protein (p.Gln1823dup), but otherwise preserves the integrity of the reading frame.

Ambry Genetics
Classification: Uncertain significance for Inborn genetic diseases. Last evaluated: 2021-03-26. Review status: criteria provided, single submitter. Criteria: Ambry Variant Classification Scheme 2023. Collection method: clinical testing. Allele origin: germline.
Comment: The c.5468_5470dupAGC (p.Q1823dup) alteration is located in exon 26 (coding exon 25) of the SPTBN2 gene. The alteration consists of an in-frame duplication of 3 nucleotides from position 5468 to 5470, resulting in the duplication of <NA> residues. Based on insufficient or conflicting evidence, the clinical significance of this alteration remains unclear.

CENTOGENE GmbH and LLC - Guiding Precision Medicine
Classification: Uncertain significance for Spinocerebellar ataxia type 5. Last evaluated: 2021-03-22. Review status: criteria provided, single submitter. Criteria: ACMG Guidelines, 2015. Collection method: clinical testing. Allele origin: germline. Affected: yes.

NM_006946.4(SPTBN2):c.5459AGC[5] (p.Gln1823dup)

Gene: SPTBN2 (spectrin beta, non-erythrocytic 2; minus strand). Cytogenetic location: 11q13.2.
Variant type: Microsatellite.
Coding change: c.5459AGC[5] on transcript NM_006946.4 (MANE Select); five copies in a row of the 3-base unit AGC starting at c.5459; the reference has four copies in a row; one copy, 3 bases duplicated.
Protein change: p.Gln1823dup; duplicates glutamine 1823.
Molecular consequence: inframe insertion.
Genome position (GRCh38, 1-based): chr11:66,691,379-66,691,381, GCT duplicated on the plus strand (AGC on the coding strand, the reverse complement: SPTBN2 is on the minus strand); duplicating any 3 consecutive bases within chr11:66,691,379-66,691,390 gives the same sequence; the position shown is the placement nearest the transcript's 3' end. VCF-style (leftmost placement, unchanged base first): chr11-66691378-A-AGCT. GRCh37 (hg19) VCF-style: chr11-66458849-A-AGCT.
Other names: c.5468_5470dupAGC (NM_006946.2).
Identifiers: ClinVar variation 1333957 (VCV001333957.7), dbSNP rs1940534700, ClinGen allele CA1979808275.